The following is an entry in ClinVar:

NM_000161.3(GCH1):c.344-16219C>T

Gene: GCH1 (GTP cyclohydrolase 1; minus strand). Cytogenetic location: 14q22.2.
Variant type: single nucleotide variant.
Coding change: c.344-16219C>T on transcript NM_000161.3 (MANE Select); 16219 bases into the intron before coding-DNA position 344, C replaced by T.
Molecular consequence: intron variant. On other transcripts: 5 prime UTR variant (1).
Genome position (GRCh38, 1-based): chr14:54,881,655, G>A on the plus strand (C>T on the coding strand, the complement: GCH1 is on the minus strand). VCF-style: chr14-54881655-G-A. GRCh37 (hg19) VCF-style: chr14-55348373-G-A.
Other names: c.-65C>T (NM_001424105.1); c.344-16219C>T (NM_001424104.1, NM_001024071.2, NM_001024070.2 and 1 more transcripts).
Identifiers: ClinVar variation 3256824 (VCV003256824.2).

ClinVar aggregate classification (germline): Benign (1 of 4 stars; one submission).

gnomAD v4.1: 32,645 of 152,060 alleles (21%); highest among the groups gnomAD compares: East Asian, 42%; 4,893 homozygotes.

Submission:

Unidad de Genómica Garrahan, Hospital de Pediatría Garrahan
Classification: Benign. Last evaluated: 2024-07-31. Review status: criteria provided, single submitter. Criteria: ACMG Guidelines, 2015. Collection method: clinical testing. Allele origin: germline. Affected: no. Observed: 25 variant alleles.
Comment: This variant is classified as Benign based on local population frequency. This variant was detected in 27% of patients studied in a panel designed for Epileptic and Developmental Encephalopathy, Progressive Myoclonus Epilepsy and Abnormal Movements and Neurodegeneration with brain iron accumulation. Number of patients: 25. Only high quality variants are reported.